The following is an entry in ClinVar:

ClinVar aggregate classification (germline): Likely benign. Review status: criteria provided, multiple submitters, no conflicts (2 of 4 stars). 3 submissions from 3 submitters: Likely benign (2). 1 of the submissions does not count toward it. Last evaluated 2026-05-01.

Conditions:
TRIOBP-related disorder. Also called: TRIOBP-related condition.

Submissions (3):

CeGaT Center for Human Genetics Tuebingen
Classification: Likely benign. Last evaluated: 2026-05-01. Review status: criteria provided, single submitter. Criteria: CeGaT Center For Human Genetics Tuebingen Variant Classification Criteria Version 2. Collection method: clinical testing. Allele origin: germline. Affected: yes. Observed: 3 variant alleles.
Comment: TRIOBP: BS1

Blueprint Genetics
Classification: Likely benign. Last evaluated: 2024-11-22. Review status: criteria provided, single submitter. Criteria: ACMG Guidelines, 2015. Collection method: clinical testing. Allele origin: germline.

PreventionGenetics, part of Exact Sciences
Classification: Likely benign for TRIOBP-related condition. Last evaluated: 2022-08-18. Review status: no assertion criteria provided. Collection method: clinical testing. Allele origin: germline. Not counted in ClinVar's aggregate classification.
Comment: This variant is classified as likely benign based on ACMG/AMP sequence variant interpretation guidelines (Richards et al. 2015 PMID: 25741868, with internal and published modifications).

NM_001039141.3(TRIOBP):c.5322+5281GGC[10]

Gene: TRIOBP (TRIO and F-actin binding protein; plus strand). Cytogenetic location: 22q13.1.
Variant type: Microsatellite.
Coding change: c.5322+5281GGC[10] on transcript NM_001039141.3 (MANE Select); ten copies in a row of the 3-base unit GGC starting at c.5322+5281.
Molecular consequence: intron variant. On other transcripts: inframe insertion (2).
Genome position: GRCh38 VCF-style: chr22-37746312-G-GGGCGGCGGC. GRCh37 (hg19) VCF-style: chr22-38142319-G-GGGCGGCGGC.
Other names: c.78CGG[10], p.Gly33_Val34insGlyGlyGly (NM_007032.5, NM_138632.2); c.90_98dup9 (NM_007032.5).
Identifiers: ClinVar variation 3025126 (VCV003025126.24), dbSNP rs953748818, ClinGen allele CA514526550.